The following is an entry in ClinVar:

NM_006618.5(KDM5B):c.4305GAA[1] (p.Lys1437del)

Gene: KDM5B (lysine demethylase 5B; minus strand). Cytogenetic location: 1q32.1.
Variant type: Microsatellite.
Coding change: c.4305GAA[1] on transcript NM_006618.5 (MANE Select); one copy of the 3-base unit GAA starting at c.4305; the reference has two copies in a row; one copy, 3 bases deleted; also written c.4308_4310del.
Protein change: p.Lys1437del; deletes lysine 1437.
Molecular consequence: inframe deletion.
Genome position (GRCh38, 1-based): chr1:202,729,894-202,729,896, TTC deleted on the plus strand (GAA on the coding strand, the reverse complement: KDM5B is on the minus strand); deleting any 3 consecutive bases within chr1:202,729,894-202,729,901 gives the same sequence; the position shown is the placement nearest the transcript's 3' end. VCF-style (leftmost placement, unchanged base first): chr1-202729893-TTTC-T. GRCh37 (hg19) VCF-style: chr1-202699021-TTTC-T.
Other names: c.4413GAA[1], p.Lys1473del (NM_001314042.2); c.4170GAA[1], p.Lys1392del (NM_001347591.2); c.4290GAA[1], p.Lys1432del (NM_001399817.1); c.4308_4310del (NM_006618.5); short protein forms K1392del, K1432del, K1437del, K1473del.
Identifiers: ClinVar variation 4884013 (VCV004884013.2).

ClinVar aggregate classification (germline): Uncertain significance (1 of 4 stars; one submission).

Submission:

Dasa
Classification: Uncertain significance. Last evaluated: 2025-08-21. Review status: criteria provided, single submitter. Criteria: DASA Assertion Criteria. Collection method: clinical testing. Allele origin: germline.
Comment: NM_006618.5(KDM5B):c.4308_4310del (p.Lys1437del) is an in-frame deletion predicted to remove lysine at protein position 1437 without shifting the reading frame. This variant is absent from population databases. The currently available literature and clinical evidence are not sufficient to establish a definitive association between this variant and the reported condition. Therefore, this variant is classified as a variant of uncertain significance.